The following is an entry in ClinVar:

ClinVar aggregate classification (germline): Uncertain significance. Review status: criteria provided, multiple submitters, no conflicts (2 of 4 stars). 5 submissions from 5 submitters: Uncertain significance (5). Last evaluated 2025-08-18.

Conditions:
Lynch syndrome. Identifiers: Orphanet 144, MedGen C4552100, MONDO:0005835. Disease mechanism: loss of function.
Hereditary cancer-predisposing syndrome. Also called: Tumor predisposition; Hereditary Cancer Syndrome; Hereditary neoplastic syndrome; Neoplastic Syndromes, Hereditary. Identifiers: Orphanet 140162, MedGen C0027672, MeSH D009386, MONDO:0015356.
Lynch syndrome 5 (LYNCH5). Also called: Hereditary non-polyposis colorectal cancer, type 5; Colorectal cancer, hereditary nonpolyposis, type 5. Identifiers: Orphanet 144, MedGen C1833477, MONDO:0013710, OMIM 614350. Disease mechanism: loss of function.
Endometrial carcinoma. Also called: Endometrial carcinoma, somatic. Identifiers: MedGen C0476089, MONDO:0002447, OMIM 608089, HP:0012114.
Mismatch repair cancer syndrome 1 (MMRCS1). Also called: BRAIN TUMOR-POLYPOSIS SYNDROME 1; BTP1 SYNDROME; CHILDHOOD CANCER SYNDROME; MISMATCH REPAIR DEFICIENCY; MMR DEFICIENCY. Identifiers: Orphanet 252202, MedGen C5399763, MONDO:0010159, OMIM 276300. Disease mechanism: loss of function.
Hereditary nonpolyposis colorectal neoplasms. Identifiers: MedGen C0009405, MeSH D003123.

Submissions (5):

Labcorp Genetics (formerly Invitae), Labcorp
Classification: Uncertain significance for Hereditary nonpolyposis colorectal neoplasms. Last evaluated: 2025-08-18. Review status: criteria provided, single submitter. Criteria: Invitae Variant Classification Sherloc (09022015). Collection method: clinical testing. Allele origin: germline.
Comment: This sequence change replaces valine, which is neutral and non-polar, with isoleucine, which is neutral and non-polar, at codon 424 of the MSH6 protein (p.Val424Ile). This variant is not present in population databases (gnomAD no frequency). This variant has not been reported in the literature in individuals affected with MSH6-related conditions. ClinVar contains an entry for this variant (Variation ID: 410450). Invitae Evidence Modeling of protein sequence and biophysical properties (such as structural, functional, and spatial information, amino acid conservation, physicochemical variation, residue mobility, and thermodynamic stability) indicates that this missense variant is not expected to disrupt MSH6 protein function with a negative predictive value of 95%. In summary, the available evidence is currently insufficient to determine the role of this variant in disease. Therefore, it has been classified as a Variant of Uncertain Significance.

Ambry Genetics
Classification: Uncertain significance for Hereditary cancer-predisposing syndrome. Last evaluated: 2024-02-19. Review status: criteria provided, single submitter. Criteria: Ambry Variant Classification Scheme 2023. Collection method: clinical testing. Allele origin: germline.
Comment: The p.V424I variant (also known as c.1270G>A), located in coding exon 4 of the MSH6 gene, results from a G to A substitution at nucleotide position 1270. The valine at codon 424 is replaced by isoleucine, an amino acid with highly similar properties. This amino acid position is highly conserved in available vertebrate species. In addition, the in silico prediction for this alteration is inconclusive. Based on the available evidence, the clinical significance of this alteration remains unclear.

All of Us Research Program, National Institutes of Health
Classification: Uncertain significance for Lynch syndrome. Last evaluated: 2023-09-17. Review status: criteria provided, single submitter. Criteria: ACMG Guidelines, 2015. Collection method: clinical testing. Allele origin: germline. Inheritance: Autosomal dominant inheritance. Observed: 1 variant allele, 1 heterozygote.
Comment: This missense variant replaces valine with isoleucine at codon 424 of the MSH6 protein. Computational prediction suggests that this variant may not impact protein structure and function (internally defined REVEL score threshold <= 0.5, PMID: 27666373). To our knowledge, functional studies have not been reported for this variant. This variant has not been reported in individuals affected with MSH6-related disorders in the literature. This variant has not been identified in the general population by the Genome Aggregation Database (gnomAD). The available evidence is insufficient to determine the role of this variant in disease conclusively. Therefore, this variant is classified as a Variant of Uncertain Significance.

This study involves interpretation of variants in research participants for the purpose of population health screening. Participant phenotype was not available at the time of variant classification. Additional details can be found in publication PMID: 35346344, PMCID: PMC8962531

Baylor Genetics
Classification: Uncertain significance for Endometrial carcinoma. Last evaluated: 2023-05-28. Review status: criteria provided, single submitter. Criteria: ACMG Guidelines, 2015. Collection method: clinical testing. Allele origin: unknown.

Fulgent Genetics
Classification: Uncertain significance for Mismatch repair cancer syndrome 1; Endometrial carcinoma; Lynch syndrome 5. Last evaluated: 2018-10-31. Review status: criteria provided, single submitter. Criteria: ACMG Guidelines, 2015. Collection method: clinical testing. Allele origin: unknown.

NM_000179.3(MSH6):c.1270G>A (p.Val424Ile)

Gene: MSH6 (mutS homolog 6; plus strand). Cytogenetic location: 2p16.3.
Variant type: single nucleotide variant.
Coding change: c.1270G>A on transcript NM_000179.3 (MANE Select); coding-DNA position 1270, G replaced by A.
Protein change: p.Val424Ile; replaces valine 424 with isoleucine.
Molecular consequence: missense variant.
Genome position (GRCh38, 1-based): chr2:47,799,253, G>A. VCF-style: chr2-47799253-G-A. GRCh37 (hg19) VCF-style: chr2-48026392-G-A.
Other names: c.880G>A, p.Val294Ile (NM_001281492.2); c.364G>A, p.Val122Ile (NM_001281493.2, NM_001281494.2); short protein forms V424I, V122I, V294I.
Identifiers: ClinVar variation 410450 (VCV000410450.53), dbSNP rs768299607, ClinGen allele CA16610880.